The following is an entry in ClinVar:

NM_017613.4(DONSON):c.125C>T (p.Pro42Leu)

Gene: DONSON (DNA replication fork stabilization factor DONSON; minus strand). Cytogenetic location: 21q22.11.
Variant type: single nucleotide variant.
Coding change: c.125C>T on transcript NM_017613.4 (MANE Select); coding-DNA position 125, C replaced by T.
Protein change: p.Pro42Leu; replaces proline 42 with leucine.
Molecular consequence: missense variant.
Genome position (GRCh38, 1-based): chr21:33,588,517, G>A on the plus strand (C>T on the coding strand, the complement: DONSON is on the minus strand). VCF-style: chr21-33588517-G-A. GRCh37 (hg19) VCF-style: chr21-34960823-G-A.
Other names: short protein forms P42L.
Identifiers: ClinVar variation 4776939 (VCV004776939.1).

ClinVar aggregate classification (germline): Uncertain significance (1 of 4 stars; one submission).

Submission:

Labcorp Genetics (formerly Invitae), Labcorp
Classification: Uncertain significance. Last evaluated: 2025-08-11. Review status: criteria provided, single submitter. Criteria: Invitae Variant Classification Sherloc (09022015). Collection method: clinical testing. Allele origin: germline.
Comment: This sequence change replaces proline, which is neutral and non-polar, with leucine, which is neutral and non-polar, at codon 42 of the DONSON protein (p.Pro42Leu). This variant is not present in population databases (gnomAD no frequency). This variant has not been reported in the literature in individuals affected with DONSON-related conditions. Invitae Evidence Modeling of protein sequence and biophysical properties (such as structural, functional, and spatial information, amino acid conservation, physicochemical variation, residue mobility, and thermodynamic stability) indicates that this missense variant is not expected to disrupt DONSON protein function with a negative predictive value of 80%. In summary, the available evidence is currently insufficient to determine the role of this variant in disease. Therefore, it has been classified as a Variant of Uncertain Significance.